The following is an entry in ClinVar:

ClinVar aggregate classification (germline): Uncertain significance (1 of 4 stars; one submission).

Conditions:
COL2A1-related disorder. Also called: COL2A1-related condition; COL2A1-related disorders.

Submission:

PreventionGenetics, part of Exact Sciences
Classification: Uncertain significance for COL2A1-related condition. Last evaluated: 2026-09-17. Review status: criteria provided, single submitter. Criteria: ACMG Guidelines, 2015. Collection method: clinical testing. Allele origin: germline.
Comment: The COL2A1 c.1488G>T variant is predicted to result in the amino acid substitution p.Glu496Asp. To our knowledge, this variant has not been reported in the literature or in a large population database (gnomAD), indicating this variant is rare. At this time, the clinical significance of this variant is uncertain due to the absence of conclusive functional and genetic evidence.

NM_001844.5(COL2A1):c.1488G>T (p.Glu496Asp)

Gene: COL2A1 (collagen type II alpha 1 chain; minus strand). Cytogenetic location: 12q13.11.
Variant type: single nucleotide variant.
Coding change: c.1488G>T on transcript NM_001844.5 (MANE Select); coding-DNA position 1488, G replaced by T.
Protein change: p.Glu496Asp; replaces glutamic acid 496 with aspartic acid.
Molecular consequence: missense variant.
Genome position (GRCh38, 1-based): chr12:47,986,375, C>A on the plus strand (G>T on the coding strand, the complement: COL2A1 is on the minus strand). VCF-style: chr12-47986375-C-A. GRCh37 (hg19) VCF-style: chr12-48380158-C-A.
Other names: c.1281G>T, p.Glu427Asp (NM_033150.3); short protein forms E427D, E496D.
Identifiers: ClinVar variation 2629553 (VCV002629553.2), dbSNP rs1301056765, ClinGen allele CA384552593.